The following is an entry in ClinVar:

NM_032620.4(GTPBP3):c.1242G>C (p.Glu414Asp)

Gene: GTPBP3 (GTP binding protein 3, mitochondrial; plus strand). Cytogenetic location: 19p13.11.
Variant type: single nucleotide variant.
Coding change: c.1242G>C on transcript NM_032620.4 (MANE Select); coding-DNA position 1242, G replaced by C.
Protein change: p.Glu414Asp; replaces glutamic acid 414 with aspartic acid.
Molecular consequence: missense variant.
Genome position (GRCh38, 1-based): chr19:17,341,311, G>C. VCF-style: chr19-17341311-G-C. GRCh37 (hg19) VCF-style: chr19-17452120-G-C.
Other names: c.1179G>C, p.Glu393Asp (NM_001128855.3); c.1308G>C, p.Glu436Asp (NM_001195422.1); c.1338G>C, p.Glu446Asp (NM_133644.4); short protein forms E393D, E414D, E436D, E446D.
Identifiers: ClinVar variation 3902192 (VCV003902192.1).

ClinVar aggregate classification (germline): Uncertain significance (1 of 4 stars; one submission).

Submission:

Women's Health and Genetics/Laboratory Corporation of America, LabCorp
Classification: Uncertain significance. Last evaluated: 2025-05-30. Review status: criteria provided, single submitter. Criteria: LabCorp Variant Classification Summary - May 2015. Collection method: clinical testing. Allele origin: germline.
Comment: Variant summary: GTPBP3 c.1338G>C (p.Glu446Asp) results in a conservative amino acid change in the encoded protein sequence. Algorithms developed to predict the effect of missense changes on protein structure and function all suggest that this variant is likely to be tolerated. The variant was absent in 235672 control chromosomes. The available data on variant occurrences in the general population are insufficient to allow any conclusion about variant significance. To our knowledge, no occurrence of c.1338G>C in individuals affected with Combined Oxidative Phosphorylation Defect Type 23 and no experimental evidence demonstrating its impact on protein function have been reported. No submitters have cited clinical-significance assessments for this variant to ClinVar. Based on the evidence outlined above, the variant was classified as uncertain significance.